The following is an entry in ClinVar:

NM_033305.3(VPS13A):c.1775T>C (p.Ile592Thr)

Gene: VPS13A (vacuolar protein sorting 13 homolog A; plus strand). Cytogenetic location: 9q21.2.
Variant type: single nucleotide variant.
Coding change: c.1775T>C on transcript NM_033305.3 (MANE Select); coding-DNA position 1775, T replaced by C.
Protein change: p.Ile592Thr; replaces isoleucine 592 with threonine.
Molecular consequence: missense variant.
Genome position (GRCh38, 1-based): chr9:77,238,181, T>C. VCF-style: chr9-77238181-T-C. GRCh37 (hg19) VCF-style: chr9-79853097-T-C.
Other names: c.1775T>C, p.Ile592Thr (NM_001018037.2, NM_001018038.3, NM_015186.4); short protein forms I592T.
Identifiers: ClinVar variation 4711067 (VCV004711067.1).

ClinVar aggregate classification (germline): Uncertain significance (1 of 4 stars; one submission).

Submission:

Labcorp Genetics (formerly Invitae), Labcorp
Classification: Uncertain significance. Last evaluated: 2025-12-19. Review status: criteria provided, single submitter. Criteria: Invitae Variant Classification Sherloc (09022015). Collection method: clinical testing. Allele origin: germline.
Comment: This sequence change replaces isoleucine, which is neutral and non-polar, with threonine, which is neutral and polar, at codon 592 of the VPS13A protein (p.Ile592Thr). This variant is not present in population databases (gnomAD no frequency). This variant has not been reported in the literature in individuals affected with VPS13A-related conditions. Invitae Evidence Modeling of protein sequence and biophysical properties (such as structural, functional, and spatial information, amino acid conservation, physicochemical variation, residue mobility, and thermodynamic stability) indicates that this missense variant is expected to disrupt VPS13A protein function with a positive predictive value of 80%. In summary, the available evidence is currently insufficient to determine the role of this variant in disease. Therefore, it has been classified as a Variant of Uncertain Significance.